The following is an entry in ClinVar:

ClinVar aggregate classification (germline): Pathogenic (1 of 4 stars; one submission).

Conditions:
Spondylodysplastic Ehlers-Danlos syndrome. Identifiers: Orphanet 536471, Orphanet 75496, MedGen C5680154, MONDO:0007526.

Submission:

Labcorp Genetics (formerly Invitae), Labcorp
Classification: Pathogenic for Spondylodysplastic Ehlers-Danlos syndrome. Last evaluated: 2025-10-02. Review status: criteria provided, single submitter. Criteria: Invitae Variant Classification Sherloc (09022015). Collection method: clinical testing. Allele origin: germline.
Comment: This sequence change creates a premature translational stop signal (p.Ser40Alafs*42) in the B4GALT7 gene. It is expected to result in an absent or disrupted protein product. Loss-of-function variants in B4GALT7 are known to be pathogenic (PMID: 26940150, 31614862, 38431799). This variant is not present in population databases (gnomAD no frequency). This variant has not been reported in the literature in individuals affected with B4GALT7-related conditions. For these reasons, this variant has been classified as Pathogenic.

Literature cited by the submitters: PubMed 26940150; PubMed 31614862; PubMed 38431799.

NM_007255.3(B4GALT7):c.118_119del (p.Ser40fs)

Gene: B4GALT7 (beta-1,4-galactosyltransferase 7; plus strand). Cytogenetic location: 5q35.3.
Variant type: Microsatellite.
Coding change: c.118_119del on transcript NM_007255.3 (MANE Select); coding-DNA positions 118 to 119, 2 bases deleted (TC; older notation c.118_119delTC).
Protein change: p.Ser40fs; shifts the reading frame from serine 40.
Molecular consequence: frameshift variant.
Genome position (GRCh38, 1-based): chr5:177,604,246-177,604,247, TC deleted; deleting any 2 consecutive bases within chr5:177,604,243-177,604,247 gives the same sequence; the c. name uses the placement nearest the transcript's 3' end. VCF-style (leftmost placement, unchanged base first): chr5-177604242-CCT-C. GRCh37 (hg19) VCF-style: chr5-177031243-CCT-C.
Other names: short protein forms S40fs.
Identifiers: ClinVar variation 4759191 (VCV004759191.1).